The following is an entry in ClinVar:

ClinVar aggregate classification (germline): Likely benign. Review status: criteria provided, multiple submitters, no conflicts (2 of 4 stars). 3 submissions from 3 submitters: Likely benign (2). 1 of the submissions does not count toward it. Last evaluated 2024-11-22.

Conditions:
KCNQ3-related disorder. Also called: KCNQ3-Related Disorders; KCNQ3-related condition. Identifiers: MedGen CN381530.

Allele frequency attached by ClinVar (database versions not stated): 1000 Genomes Project 30x 0.00047; ExAC 0.00056; 1000 Genomes Project 0.00060.
gnomAD v4.1: 119 of 1,535,406 alleles (0.0078%); highest among the groups gnomAD compares: South Asian, 0.079%; no homozygotes.

Submissions (3):

Blueprint Genetics
Classification: Likely benign. Last evaluated: 2024-11-22. Review status: criteria provided, single submitter. Criteria: ACMG Guidelines, 2015. Collection method: clinical testing. Allele origin: germline.

CeGaT Center for Human Genetics Tuebingen
Classification: Likely benign. Last evaluated: 2022-03-01. Review status: criteria provided, single submitter. Criteria: CeGaT Center For Human Genetics Tuebingen Variant Classification Criteria Version 2. Collection method: clinical testing. Allele origin: germline. Affected: yes. Observed: 1 variant allele.
Comment: KCNQ3: BP4, BP7

PreventionGenetics, part of Exact Sciences
Classification: Likely benign for KCNQ3-related condition. Last evaluated: 2019-05-28. Review status: no assertion criteria provided. Collection method: clinical testing. Allele origin: germline. Not counted in ClinVar's aggregate classification.
Comment: This variant is classified as likely benign based on ACMG/AMP sequence variant interpretation guidelines (Richards et al. 2015 PMID: 25741868, with internal and published modifications).

NM_004519.4(KCNQ3):c.386+32938C>T

Gene: KCNQ3 (potassium voltage-gated channel subfamily Q member 3; minus strand). Cytogenetic location: 8q24.22.
Variant type: single nucleotide variant.
Coding change: c.386+32938C>T on transcript NM_004519.4 (MANE Select); 32938 bases into the intron after coding-DNA position 386, C replaced by T.
Molecular consequence: intron variant. On other transcripts: synonymous variant (1).
Genome position (GRCh38, 1-based): chr8:132,447,209, G>A on the plus strand (C>T on the coding strand, the complement: KCNQ3 is on the minus strand). VCF-style: chr8-132447209-G-A. GRCh37 (hg19) VCF-style: chr8-133459456-G-A.
Other names: c.18C>T, p.His6= (NM_001204824.2); c.18C>T (NM_001204824.1).
Identifiers: ClinVar variation 1676111 (VCV001676111.35), dbSNP rs552538402, ClinGen allele CA4880957.